The following is an entry in ClinVar:

NM_007294.4(BRCA1):c.2019del (p.Glu673fs)

Gene: BRCA1 (BRCA1 DNA repair associated; minus strand). Cytogenetic location: 17q21.31.
Variant type: Deletion.
Coding change: c.2019del on transcript NM_007294.4 (MANE Select); coding-DNA position 2019, one base deleted (A; older notation c.2019delA).
Protein change: p.Glu673fs; shifts the reading frame from glutamic acid 673.
Molecular consequence: frameshift variant. On other transcripts: intron variant (137).
Genome position (GRCh38, 1-based): chr17:43,093,512, T deleted on the plus strand (A on the coding strand, the reverse complement: BRCA1 is on the minus strand); the first of 2 consecutive T bases (chr17:43,093,512-43,093,513); deleting either gives the same sequence. VCF-style (leftmost placement, unchanged base first): chr17-43093511-GT-G. GRCh37 (hg19) VCF-style: chr17-41245528-GT-G.
Other names: 2138delA; c.2019delA (NM_007294.3); c.2019del, p.Glu673fs (NM_001407594.1, NM_001407596.1, NM_001407597.1 and 30 more transcripts); c.2016del, p.Glu672fs (NM_001407610.1, NM_001407611.1, NM_001407612.1 and 22 more transcripts); c.2010del, p.Glu670fs (NM_001407646.1, NM_001407647.1); c.1896del, p.Glu632fs (NM_001407648.1, NM_001407664.1, NM_001407665.1 and 19 more transcripts); c.1893del, p.Glu631fs (NM_001407649.1, NM_001407670.1, NM_001407671.1 and 11 more transcripts); c.1941del, p.Glu647fs (NM_001407653.1, NM_001407654.1, NM_001407655.1 and 4 more transcripts); and 42 more; short protein forms E673fs, E626fs, E545fs, E546fs, E606fs, E631fs, E647fs, E602fs.
Identifiers: ClinVar variation 54438 (VCV000054438.27), dbSNP rs80357626, ClinGen allele CA001346.
Genomic context (GRCh38, chr17:43,093,511, plus strand): 5'-TGTCATGTCTTTTACTTGTCTGTTCATTTGGCTTGTTACTCTTCTTGGCTCCAGTTGCAG[GT>G]TCTTTACCTTCCATGAGTTGTAGGTTTCTGCTGTGCCTGACTGGCATTTGGTTGTACTTT-3'

ClinVar aggregate classification (germline): Pathogenic. Review status: reviewed by expert panel (3 of 4 stars). 18 submissions from 18 submitters: Pathogenic (1). 17 of the submissions do not count toward it. Last evaluated 2016-04-22.

Conditions:
Hereditary cancer-predisposing syndrome. Also called: Tumor predisposition; Neoplastic Syndromes, Hereditary; Hereditary Cancer Syndrome; Hereditary neoplastic syndrome. Identifiers: Orphanet 140162, MedGen C0027672, MeSH D009386, MONDO:0015356.
Hereditary breast ovarian cancer syndrome. Also called: Hereditary breast and ovarian cancer syndrome (HBOC); Hereditary breast and ovarian cancer syndrome; Hereditary breast and ovarian cancer; Hereditary breast and/or ovarian cancer syndrome; Breast and ovarian cancer; BRCA1- and BRCA2-Associated Hereditary Breast and Ovarian Cancer. Identifiers: Orphanet 145, MedGen C0677776, MeSH D061325, MONDO:0003582. Disease mechanism: loss of function.
Breast-ovarian cancer, familial, susceptibility to, 1 (BROVCA1). Also called: OVARIAN CANCER, SUSCEPTIBILITY TO; BRCA1 Hereditary Breast and Ovarian Cancer. Identifiers: Orphanet 145, MedGen C2676676, MONDO:0011450, OMIM 604370. Disease mechanism: loss of function.

Submissions (18):

Evidence-based Network for the Interpretation of Germline Mutant Alleles (ENIGMA)
Classification: Pathogenic for Breast-ovarian cancer, familial, susceptibility to, 1. Last evaluated: 2016-04-22. Review status: reviewed by expert panel. Criteria: ENIGMA BRCA1/2 Classification Criteria (2015). Collection method: curation. Allele origin: germline.
Comment: Variant allele predicted to encode a truncated non-functional protein.

Labcorp Genetics (formerly Invitae), Labcorp
Classification: Pathogenic for Hereditary breast ovarian cancer syndrome. Last evaluated: 2025-06-22. Review status: criteria provided, single submitter. Criteria: Invitae Variant Classification Sherloc (09022015). Collection method: clinical testing. Allele origin: germline. Not counted in ClinVar's aggregate classification.
Comment: This sequence change creates a premature translational stop signal (p.Glu673Aspfs*28) in the BRCA1 gene. It is expected to result in an absent or disrupted protein product. Loss-of-function variants in BRCA1 are known to be pathogenic (PMID: 20104584). This variant is not present in population databases (gnomAD no frequency). This premature translational stop signal has been observed in individual(s) with breast and ovarian cancer (PMID: 12112655, 14871810, 16683254, 23635950, 24307375). It is commonly reported in individuals of Dutch ancestry (PMID: 16683254, 24307375). This variant is also known as 2137delA and 2138delA. ClinVar contains an entry for this variant (Variation ID: 54438). For these reasons, this variant has been classified as Pathogenic.

Clinical Genetics Laboratory, Skane University Hospital Lund
Classification: Pathogenic. Last evaluated: 2022-12-20. Review status: criteria provided, single submitter. Criteria: ACMG Guidelines, 2015. Collection method: clinical testing. Allele origin: germline. Affected: yes. Not counted in ClinVar's aggregate classification.

Ambry Genetics
Classification: Pathogenic for Hereditary cancer-predisposing syndrome. Last evaluated: 2022-12-09. Review status: criteria provided, single submitter. Criteria: Ambry Variant Classification Scheme 2023. Collection method: clinical testing. Allele origin: germline. Not counted in ClinVar's aggregate classification.
Comment: The c.2019delA pathogenic mutation, located in coding exon 9 of the BRCA1 gene, results from a deletion of one nucleotide at nucleotide position 2019, causing a translational frameshift with a predicted alternate stop codon (p.E673Dfs*28). This deletion has been reported in numerous high risk breast and/or ovarian cancer families (Yazici H, Hum. Mutat. 2002 Jul; 20(1):28-34, van der Hout AH, Hum. Mutat. 2006 Jul; 27(7):654-66, Dobrii J, J. Hum. Genet. 2013 Aug; 58(8):501-7; Jacobi CE et al. Genet. Med. 2007 Mar;9(3):173-9; Hermsen BB et al. Int. J. Cancer 2006 Sep;119(6):1412-8; Dacheva D et al. Mol Diagn Ther 2015 Apr;19(2):119-30). Of note, this alteration is also designated as 2137delA and 2138delA in published literature. In addition to the clinical data presented in the literature, this alteration is expected to result in loss of function by premature protein truncation or nonsense-mediated mRNA decay. As such, this alteration is interpreted as a disease-causing mutation.

Color Diagnostics, LLC DBA Color Health
Classification: Pathogenic for Hereditary cancer-predisposing syndrome. Last evaluated: 2020-01-15. Review status: criteria provided, single submitter. Criteria: ACMG Guidelines, 2015. Collection method: clinical testing. Allele origin: germline. Not counted in ClinVar's aggregate classification.
Comment: This variant deletes 1 nucleotide in exon 10 of the BRCA1 gene, creating a frameshift and premature translation stop signal. This variant is expected to result in an absent or non-functional protein product. This variant has not been identified in the general population by the Genome Aggregation Database (gnomAD). Loss of BRCA1 function is a known mechanism of disease. Based on the available evidence, this variant is classified as Pathogenic.

GeneDx
Classification: Pathogenic. Last evaluated: 2017-09-05. Review status: criteria provided, single submitter. Criteria: GeneDx Variant Classification (06012015). Collection method: clinical testing. Allele origin: germline. Affected: yes. Not counted in ClinVar's aggregate classification.
Comment: This deletion of one nucleotide in BRCA1 is denoted c.2019delA at the cDNA level and p.Glu673AspfsX28 (E673DfsX28) at the protein level. Using alternate nomenclature, this variant has previously been published as BRCA1 2138delA and 2137delA. The normal sequence, with the base that is deleted in braces, is AAGA[A]CCTG. The deletion causes a frameshift which changes a Glutamic Acid to an Aspartic Acid at codon 673, and creates a premature stop codon at position 28 of the new reading frame. This variant is predicted to cause loss of normal protein function through either protein truncation or nonsense-mediated mRNA decay. BRCA1 c.2019delA has been reported in multiple individuals with personal and/or family histories of breast and ovarian cancer and is a common pathogenic variant in the Dutch population (Yazici 2002, Szabo 2004, Hermsen 2006, Jacobi 2007, Dobricic 2013, Brohet 2014). We consider this variant to be pathogenic.

Women's Health and Genetics/Laboratory Corporation of America, LabCorp
Classification: Pathogenic for Hereditary breast ovarian cancer syndrome. Last evaluated: 2016-10-13. Review status: criteria provided, single submitter. Criteria: LabCorp Variant Classification Summary - May 2015. Collection method: clinical testing. Allele origin: germline. Not counted in ClinVar's aggregate classification.
Comment: Variant summary: The BRCA1 c.2019delA (p.Glu673Aspfs) variant results in a premature termination codon, predicted to cause a truncated or absent BRCA1 protein due to nonsense mediated decay (NMD), which are commonly known mechanisms for disease. If the variant escapes NMD, it is predicted to truncate BCRT domain (InterPro, UniProt). Truncations downstream of this position have been classified as pathogenic by our laboratory (e.g. p.Gln1135X, p.Gln1200X, p.Glu1250X, etc.). This variant is absent from 121362 control chromosomes from ExAC. This variant has been reported in multiple affected HBOC patients/families in literature and clinical databases. In addition, multiple clinical diagnostic laboratories/reputable databases have classified this variant as pathogenic. Taken together, this variant is classified as Pathogenic.

Consortium of Investigators of Modifiers of BRCA1/2 (CIMBA), c/o University of Cambridge
Classification: Pathogenic for Breast-ovarian cancer, familial, susceptibility to, 1. Last evaluated: 2015-10-02. Review status: criteria provided, single submitter. Criteria: CIMBA Mutation Classification guidelines May 2016. Collection method: clinical testing. Allele origin: germline. Not counted in ClinVar's aggregate classification.

Clinical Genetics DNA and cytogenetics Diagnostics Lab, Erasmus MC, Erasmus Medical Center
Classification: Pathogenic for Breast-ovarian cancer, familial, susceptibility to, 1. Last evaluated: 2015-09-21. Review status: criteria provided, single submitter. Criteria: ACGS Guidelines, 2013. Collection method: clinical testing. Allele origin: germline. Affected: yes. Study: VKGL Data-share Consensus. Not counted in ClinVar's aggregate classification.

Department of Medical Genetics, Oslo University Hospital
Classification: Pathogenic for Breast-ovarian cancer, familial, susceptibility to, 1. Last evaluated: 2015-07-01. Review status: criteria provided, single submitter. Criteria: ACMG Guidelines, 2015. Collection method: clinical testing. Allele origin: germline. Affected: yes. Observed: 1 variant allele. Not counted in ClinVar's aggregate classification.

BRCAlab, Lund University
Classification: Pathogenic for Breast-ovarian cancer, familial, susceptibility to, 1. Last evaluated: 2020-03-02. Review status: no assertion criteria provided. Collection method: clinical testing. Allele origin: germline. Affected: yes. Not counted in ClinVar's aggregate classification.

Research Molecular Genetics Laboratory, Women's College Hospital, University of Toronto
Classification: Pathogenic for Hereditary breast ovarian cancer syndrome. Last evaluated: 2014-01-31. Review status: no assertion criteria provided. Collection method: research. Allele origin: germline. Affected: yes. Study: The Canadian Open Genetics Repository (COGR). Not counted in ClinVar's aggregate classification.

Breast Cancer Information Core (BIC) (BRCA1)
Classification: Pathogenic for Breast-ovarian cancer, familial 1. Last evaluated: 2011-03-02. Review status: no assertion criteria provided. Collection method: clinical testing. Allele origin: germline. Affected: yes. Observed: 7 variant alleles. Not counted in ClinVar's aggregate classification.

Sharing Clinical Reports Project (SCRP)
Classification: Pathogenic for Breast-ovarian cancer, familial 1. Last evaluated: 2008-03-04. Review status: no assertion criteria provided. Collection method: clinical testing. Allele origin: germline. Not counted in ClinVar's aggregate classification.

Clinical Genetics Laboratory, Department of Pathology, Netherlands Cancer Institute
Classification: Pathogenic. Review status: no assertion criteria provided. Collection method: clinical testing. Allele origin: germline. Affected: yes. Study: VKGL Data-share Consensus. Not counted in ClinVar's aggregate classification.

Diagnostic Laboratory, Department of Genetics, University Medical Center Groningen
Classification: Pathogenic for Breast-ovarian cancer, familial, susceptibility to, 1. Review status: no assertion criteria provided. Collection method: clinical testing. Allele origin: germline. Affected: yes. Study: VKGL Data-share Consensus. Not counted in ClinVar's aggregate classification.

Joint Genome Diagnostic Labs from Nijmegen and Maastricht, Radboudumc and MUMC+
Classification: Pathogenic. Review status: no assertion criteria provided. Collection method: clinical testing. Allele origin: germline. Affected: yes. Study: VKGL Data-share Consensus. Not counted in ClinVar's aggregate classification.

Medical Genetics, Medical University Pleven
Classification: Pathogenic for Breast-ovarian cancer, familial, susceptibility to, 1. Review status: no assertion criteria provided. Collection method: research. Allele origin: germline. Inheritance: Autosomal dominant inheritance. Affected: yes. Not counted in ClinVar's aggregate classification.

Literature cited by the submitters: PubMed 20104584 (cited by Labcorp Genetics (formerly Invitae), Labcorp); PubMed 12112655 (cited by Labcorp Genetics (formerly Invitae), Labcorp and Ambry Genetics); PubMed 14871810 (cited by Labcorp Genetics (formerly Invitae), Labcorp); PubMed 16683254 (cited by 3 submitters); PubMed 23635950 (cited by Labcorp Genetics (formerly Invitae), Labcorp and Ambry Genetics); PubMed 24307375 (cited by Labcorp Genetics (formerly Invitae), Labcorp); PubMed 15254424 (cited by Ambry Genetics); PubMed 19370767 (cited by Ambry Genetics); PubMed 24285858 (cited by Ambry Genetics); PubMed 28637432 (cited by Ambry Genetics); PubMed 10952774 (cited by Women's Health and Genetics/Laboratory Corporation of America, LabCorp); PubMed 22762150 (cited by Women's Health and Genetics/Laboratory Corporation of America, LabCorp); PubMed 21702907 (cited by Women's Health and Genetics/Laboratory Corporation of America, LabCorp).